The following is an entry in ClinVar:

ClinVar aggregate classification (germline): Uncertain significance (1 of 4 stars; one submission).

Conditions:
Inborn genetic diseases. Identifiers: MedGen C0950123, MeSH D030342.

gnomAD v4.1: 4 of 1,614,094 alleles (0.00025%); highest among the groups gnomAD compares: African/African-American, 0.0013%; no homozygotes.

Submission:

Ambry Genetics
Classification: Uncertain significance for Inborn genetic diseases. Last evaluated: 2025-04-06. Review status: criteria provided, single submitter. Criteria: Ambry Variant Classification Scheme 2023. Collection method: clinical testing. Allele origin: germline.
Comment: The p.H135R variant (also known as c.404A>G), located in coding exon 3 of the ANKRD26 gene, results from an A to G substitution at nucleotide position 404. The histidine at codon 135 is replaced by arginine, an amino acid with highly similar properties. This amino acid position is conserved. In addition, this alteration is predicted to be tolerated by in silico analysis. Based on the available evidence, the clinical significance of this variant remains unclear.

NM_014915.3(ANKRD26):c.404A>G (p.His135Arg)

Gene: ANKRD26 (ankyrin repeat domain containing 26; minus strand). Cytogenetic location: 10p12.1.
Variant type: single nucleotide variant.
Coding change: c.404A>G on transcript NM_014915.3 (MANE Select); coding-DNA position 404, A replaced by G.
Protein change: p.His135Arg; replaces histidine 135 with arginine.
Molecular consequence: missense variant.
Genome position (GRCh38, 1-based): chr10:27,093,476, T>C on the plus strand (A>G on the coding strand, the complement: ANKRD26 is on the minus strand). VCF-style: chr10-27093476-T-C. GRCh37 (hg19) VCF-style: chr10-27382405-T-C.
Other names: c.404A>G, p.His135Arg (NM_001256053.2); short protein forms H135R.
Identifiers: ClinVar variation 3913595 (VCV003913595.1).